The following is an entry in ClinVar:

ClinVar aggregate classification (germline): Pathogenic (1 of 4 stars; one submission).

Conditions:
TWIST1-related craniosynostosis (CRS1). Also called: CRANIOSYNOSTOSIS 1. Identifiers: Orphanet 63440, MedGen C4551902, MONDO:0007399, OMIM 123100. Inheritance: Heterogenous inheritance pattern.

Submission:

Labcorp Genetics (formerly Invitae), Labcorp
Classification: Pathogenic for TWIST1-related craniosynostosis. Last evaluated: 2024-05-25. Review status: criteria provided, single submitter. Criteria: Invitae Variant Classification Sherloc (09022015). Collection method: clinical testing. Allele origin: germline.
Comment: This sequence change creates a premature translational stop signal (p.Met286Asnfs*23) in the ERF gene. While this is not anticipated to result in nonsense mediated decay, it is expected to disrupt the last 263 amino acid(s) of the ERF protein. This variant is not present in population databases (gnomAD no frequency). This variant has not been reported in the literature in individuals affected with ERF-related conditions. This variant disrupts a region of the ERF protein in which other variant(s) ( p.Glu437Glyfs*7) have been determined to be pathogenic (Invitae). This suggests that this is a clinically significant region of the protein, and that variants that disrupt it are likely to be disease-causing. For these reasons, this variant has been classified as Pathogenic.

NM_006494.4(ERF):c.856dup (p.Met286fs)

Gene: ERF (ETS2 repressor factor; minus strand). Cytogenetic location: 19q13.2.
Variant type: Duplication.
Coding change: c.856dup on transcript NM_006494.4 (MANE Select); coding-DNA position 856, one base duplicated (A; older notation c.856dupA).
Protein change: p.Met286fs; shifts the reading frame from methionine 286.
Molecular consequence: frameshift variant.
Genome position (GRCh38, 1-based): chr19:42,249,256, T duplicated on the plus strand (A on the coding strand, the reverse complement: ERF is on the minus strand). VCF-style (leftmost placement, unchanged base first): chr19-42249255-A-AT. GRCh37 (hg19) VCF-style: chr19-42753407-A-AT.
Other names: c.631dup, p.Met211fs (NM_001301035.2, NM_001308402.2, NM_001312656.2); short protein forms M211fs, M286fs.
Identifiers: ClinVar variation 3654560 (VCV003654560.2).
Genomic context (GRCh38, chr19:42,249,255, plus strand): 5'-CTGAAGGAGAAGTGGGAGCCTCCCCCTGAGCCGCTGGGCCCCCCGCCACCACTGGGGTAC[A>AT]TCGGGCTCAGCGTGGGCGAGGGAGTGTAGGCCAGGTGGGTGGGCGTCATGGGCAGAGCCG-3'